The following is an entry in ClinVar:

NM_004656.4(BAP1):c.1088A>G (p.Asn363Ser)

Gene: BAP1 (BRCA1 associated deubiquitinase 1; minus strand). Cytogenetic location: 3p21.1.
Variant type: single nucleotide variant.
Coding change: c.1088A>G on transcript NM_004656.4 (MANE Select); coding-DNA position 1088, A replaced by G.
Protein change: p.Asn363Ser; replaces asparagine 363 with serine.
Molecular consequence: missense variant.
Genome position (GRCh38, 1-based): chr3:52,405,138, T>C on the plus strand (A>G on the coding strand, the complement: BAP1 is on the minus strand). VCF-style: chr3-52405138-T-C. GRCh37 (hg19) VCF-style: chr3-52439154-T-C.
Other names: c.1088A>G (NM_004656.2); short protein forms N363S.
Identifiers: ClinVar variation 1517879 (VCV001517879.7), dbSNP rs2153227007, ClinGen allele CA353105376.

ClinVar aggregate classification (germline): Uncertain significance. Review status: criteria provided, multiple submitters, no conflicts (2 of 4 stars). 2 submissions from 2 submitters: Uncertain significance (2). Last evaluated 2024-06-23.

Conditions:
Hereditary cancer-predisposing syndrome. Also called: Tumor predisposition; Neoplastic Syndromes, Hereditary; Hereditary neoplastic syndrome; Hereditary Cancer Syndrome. Identifiers: Orphanet 140162, MedGen C0027672, MeSH D009386, MONDO:0015356.
BAP1-related tumor predisposition syndrome (TPDS1). Also called: COMMON Syndrome; TUMOR PREDISPOSITION SYNDROME 1; Tumor susceptibility linked to germline BAP1 mutations; BAP1 tumor predisposition syndrome. Identifiers: Orphanet 289539, MedGen C3280492, MONDO:0013692, OMIM 614327.

gnomAD v4.1: 1 of 1,614,132 alleles (0.000062%); highest among the groups gnomAD compares: South Asian, 0.0011%; no homozygotes.

Submissions (2):

Ambry Genetics
Classification: Uncertain significance for Hereditary cancer-predisposing syndrome. Last evaluated: 2024-06-23. Review status: criteria provided, single submitter. Criteria: Ambry Variant Classification Scheme 2023. Collection method: clinical testing. Allele origin: germline.
Comment: The p.N363S variant (also known as c.1088A>G), located in coding exon 11 of the BAP1 gene, results from an A to G substitution at nucleotide position 1088. The asparagine at codon 363 is replaced by serine, an amino acid with highly similar properties. This amino acid position is conserved. In addition, this alteration is predicted to be tolerated by in silico analysis. Based on the available evidence, the clinical significance of this variant remains unclear.

Labcorp Genetics (formerly Invitae), Labcorp
Classification: Uncertain significance for BAP1-related tumor predisposition syndrome. Last evaluated: 2021-09-07. Review status: criteria provided, single submitter. Criteria: Invitae Variant Classification Sherloc (09022015). Collection method: clinical testing. Allele origin: germline.
Comment: This variant has not been reported in the literature in individuals affected with BAP1-related conditions. This variant is not present in population databases (ExAC no frequency). This sequence change replaces asparagine with serine at codon 363 of the BAP1 protein (p.Asn363Ser). The asparagine residue is highly conserved and there is a small physicochemical difference between asparagine and serine. Algorithms developed to predict the effect of missense changes on protein structure and function are either unavailable or do not agree on the potential impact of this missense change (SIFT: "Deleterious"; PolyPhen-2: "Benign"; Align-GVGD: "Class C0"). Algorithms developed to predict the effect of sequence changes on RNA splicing suggest that this variant may create or strengthen a splice site. In summary, the available evidence is currently insufficient to determine the role of this variant in disease. Therefore, it has been classified as a Variant of Uncertain Significance.